The following is an entry in ClinVar:

ClinVar aggregate classification (germline): Likely pathogenic (1 of 4 stars; one submission).

Conditions:
Ornithine carbamoyltransferase deficiency (OTCD). Also called: ORNITHINE TRANSCARBAMYLASE DEFICIENCY; OTC DEFICIENCY; ORNITHINE TRANSCARBAMYLASE DEFICIENCY, HYPERAMMONEMIA DUE TO; Ornithine Carbamoyltransferase Deficiency Disease. Identifiers: Orphanet 664, MedGen C0268542, MONDO:0010703, OMIM 311250.

Submission:

Women's Health and Genetics/Laboratory Corporation of America, LabCorp
Classification: Likely pathogenic for Ornithine carbamoyltransferase deficiency. Last evaluated: 2021-02-18. Review status: criteria provided, single submitter. Criteria: LabCorp Variant Classification Summary - May 2015. Collection method: clinical testing. Allele origin: germline.
Comment: Variant summary: OTC c.844delC (p.Gln282LysfsX7) results in a premature termination codon, predicted to cause a truncation of the encoded protein or absence of the protein due to nonsense mediated decay, which are commonly known mechanisms for disease. The variant was absent in 183008 control chromosomes (gnomAD). To our knowledge, no occurrence of c.844delC in individuals affected with Ornithine Transcarbamylase Deficiency and no experimental evidence demonstrating its impact on protein function have been reported. No clinical diagnostic laboratories have submitted clinical-significance assessments for this variant to ClinVar after 2014. Based on the evidence outlined above, the variant was classified as likely pathogenic.

NM_000531.6(OTC):c.844del (p.Gln282fs)

Gene: OTC (ornithine transcarbamylase; plus strand). Cytogenetic location: Xp11.4.
Variant type: Deletion.
Coding change: c.844del on transcript NM_000531.6 (MANE Select); coding-DNA position 844, one base deleted (C; older notation c.844delC).
Protein change: p.Gln282fs; shifts the reading frame from glutamine 282.
Molecular consequence: frameshift variant.
Genome position (GRCh38, 1-based): chrX:38,409,002, C deleted; the last of 2 consecutive C bases (chrX:38,409,001-38,409,002); deleting either gives the same sequence. VCF-style (leftmost placement, unchanged base first): chrX-38409000-TC-T. GRCh37 (hg19) VCF-style: chrX-38268253-TC-T.
Other names: short protein forms Q282fs.
Identifiers: ClinVar variation 997943 (VCV000997943.1), dbSNP rs2068530290, ClinGen allele CA2424884385.